The following is an entry in ClinVar:

ClinVar aggregate classification (germline): Uncertain significance (1 of 4 stars; one submission).

Allele frequency attached by ClinVar (database versions not stated): gnomAD exomes below 0.00001 and 0.00001; ExAC 0.00001; TOPMed 0.00001.
gnomAD v4.1: 7 of 1,613,846 alleles (0.00043%); highest among the groups gnomAD compares: Admixed American, 0.0033%; no homozygotes.

Submission:

Labcorp Genetics (formerly Invitae), Labcorp
Classification: Uncertain significance. Last evaluated: 2021-10-19. Review status: criteria provided, single submitter. Criteria: Invitae Variant Classification Sherloc (09022015). Collection method: clinical testing. Allele origin: germline.
Comment: This sequence change replaces proline with serine at codon 840 of the ADAMTSL4 protein (p.Pro840Ser). The proline residue is highly conserved and there is a moderate physicochemical difference between proline and serine. This variant is present in population databases (rs754770360, ExAC 0.009%). This variant has not been reported in the literature in individuals affected with ADAMTSL4-related conditions. Algorithms developed to predict the effect of missense changes on protein structure and function (SIFT, PolyPhen-2, Align-GVGD) all suggest that this variant is likely to be disruptive. In summary, the available evidence is currently insufficient to determine the role of this variant in disease. Therefore, it has been classified as a Variant of Uncertain Significance.

NM_019032.6(ADAMTSL4):c.2518C>T (p.Pro840Ser)

Gene: ADAMTSL4 (ADAMTS like 4; plus strand). Cytogenetic location: 1q21.2.
Variant type: single nucleotide variant.
Coding change: c.2518C>T on transcript NM_019032.6 (MANE Select); coding-DNA position 2518, C replaced by T.
Protein change: p.Pro840Ser; replaces proline 840 with serine.
Molecular consequence: missense variant.
Genome position (GRCh38, 1-based): chr1:150,558,608, C>T. VCF-style: chr1-150558608-C-T. GRCh37 (hg19) VCF-style: chr1-150531084-C-T.
Other names: c.2401C>T, p.Pro801Ser (NM_001288607.2); c.2587C>T, p.Pro863Ser (NM_001288608.2); c.2518C>T, p.Pro840Ser (NM_001378596.1, NM_025008.5); short protein forms P840S, P801S, P863S.
Identifiers: ClinVar variation 1497981 (VCV001497981.3), dbSNP rs754770360, ClinGen allele CA1078712.